The following is an entry in ClinVar:

ClinVar aggregate classification (germline): Pathogenic (1 of 4 stars; one submission).

Conditions:
VPS13A-related neurodegenerative disease. Also called: ACANTHOCYTOSIS WITH NEUROLOGIC DISORDER; LEVINE-CRITCHLEY SYNDROME; Choreoacanthocytosis; Chorea-acanthocytosis; Choreaacanthocytosis; VPS13A Disease. Identifiers: Orphanet 2388, MedGen C0393576, MONDO:0008695, OMIM 200150.

Submission:

Myriad Genetics, Inc.
Classification: Pathogenic for VPS13A-related neurodegenerative disease. Last evaluated: 2024-05-14. Review status: criteria provided, single submitter. Criteria: Myriad Autosomal Dominant, Autosomal Recessive and X-Linked Classification Criteria (2023). Collection method: clinical testing. Allele origin: unknown.
Comment: NM_033305.2(VPS13A):c.1813_1814ins11(F605Yfs*13) is expected to be pathogenic in the context of VPS13A disease. This variant is predicted to lead to an abnormal or absent protein product due to the creation of a premature termination codon in VPS13A, a gene where loss-of-function variants are known to be pathogenic. Please note: this variant was assessed in the context of healthy population screening.

NM_033305.3(VPS13A):c.1813_1814insACTGTCTCTTA (p.Phe605fs)

Gene: VPS13A (vacuolar protein sorting 13 homolog A; plus strand). Cytogenetic location: 9q21.2.
Variant type: Insertion.
Coding change: c.1813_1814insACTGTCTCTTA on transcript NM_033305.3 (MANE Select); coding-DNA positions 1813 to 1814, ACTGTCTCTTA inserted.
Protein change: p.Phe605fs; shifts the reading frame from phenylalanine 605.
Molecular consequence: frameshift variant.
Genome position: GRCh38 VCF-style: chr9-77238299-T-TACTGTCTCTTA. GRCh37 (hg19) VCF-style: chr9-79853215-T-TACTGTCTCTTA.
Other names: c.1813_1814insACTGTCTCTTA, p.Phe605fs (NM_001018037.2, NM_001018038.3, NM_015186.4); short protein forms F605fs.
Identifiers: ClinVar variation 5011120 (VCV005011120.1).
Genomic context (GRCh38, chr9:77,238,299, plus strand): 5'-TTGAGTTTGTGTTAATGATGTTTATTTTAACAGAGGACAGTGAATAGTATAGTGGAATTC[T>TACTGTCTCTTA]TCAGACCTCCAAAAGAGGTACATCTAGCACAGCTCACTGCAGCAACTTTGACAAAACTGG-3'